The following is an entry in ClinVar:

NM_001369268.1(ACAN):c.946C>T (p.Pro316Ser)

Gene: ACAN (aggrecan; plus strand). Cytogenetic location: 15q26.1.
Variant type: single nucleotide variant.
Coding change: c.946C>T on transcript NM_001369268.1 (MANE Select); coding-DNA position 946, C replaced by T.
Protein change: p.Pro316Ser; replaces proline 316 with serine.
Molecular consequence: missense variant.
Genome position (GRCh38, 1-based): chr15:88,843,543, C>T. VCF-style: chr15-88843543-C-T. GRCh37 (hg19) VCF-style: chr15-89386774-C-T.
Other names: c.946C>T, p.Pro316Ser (NM_001135.4, NM_001411096.1, NM_001411097.1 and 1 more transcripts); short protein forms P316S.
Identifiers: ClinVar variation 4775906 (VCV004775906.1).
Genomic context (GRCh38, chr15:88,843,543, plus strand): 5'-ATGTGCAGCGCCGGCTGGCTGGCCGACCGCAGCGTGCGCTACCCCATCTCCAAGGCCCGG[C>T]CCAACTGCGGTGGCAACCTCCTGGGCGTGAGGACCGTCTACGTGCATGCCAACCAGACGG-3'
Protein context (NP_001356197.1, residues 306-326): SVRYPISKAR[Pro316Ser]NCGGNLLGVR

ClinVar aggregate classification (germline): Uncertain significance (1 of 4 stars; one submission).

Submission:

Labcorp Genetics (formerly Invitae), Labcorp
Classification: Uncertain significance. Last evaluated: 2025-12-17. Review status: criteria provided, single submitter. Criteria: Invitae Variant Classification Sherloc (09022015). Collection method: clinical testing. Allele origin: germline.
Comment: This sequence change replaces proline, which is neutral and non-polar, with serine, which is neutral and polar, at codon 316 of the ACAN protein (p.Pro316Ser). This variant is not present in population databases (gnomAD no frequency). This variant has not been reported in the literature in individuals affected with ACAN-related conditions. Invitae Evidence Modeling of protein sequence and biophysical properties (such as structural, functional, and spatial information, amino acid conservation, physicochemical variation, residue mobility, and thermodynamic stability) indicates that this missense variant is not expected to disrupt ACAN protein function with a negative predictive value of 80%. In summary, the available evidence is currently insufficient to determine the role of this variant in disease. Therefore, it has been classified as a Variant of Uncertain Significance.